The following is an entry in ClinVar:

ClinVar aggregate classification (germline): Uncertain significance (1 of 4 stars; one submission).

Submission:

Women's Health and Genetics/Laboratory Corporation of America, LabCorp
Classification: Uncertain significance. Last evaluated: 2025-06-03. Review status: criteria provided, single submitter. Criteria: LabCorp Variant Classification Summary - May 2015. Collection method: clinical testing. Allele origin: germline.
Comment: Variant summary: H4C11 c.-17G>C is located in the untranslated mRNA region upstream of the initiation codon. The variant allele was found at a frequency of 3.2e-05 in 31168 control chromosomes. The available data on variant occurrences in the general population are insufficient to allow any conclusion about variant significance. To our knowledge, no occurrence of c.-17G>C in individuals affected with Tessadori-Van Haaften Neurodevelopmental Syndrome 2 and no experimental evidence demonstrating its impact on protein function have been reported. No submitters have cited clinical-significance assessments for this variant to ClinVar. Based on the evidence outlined above, the variant was classified as uncertain significance.

NM_021968.4(H4C11):c.-17G>C

Gene: H4C11 (H4 clustered histone 11; plus strand). Cytogenetic location: 6p22.1.
Variant type: single nucleotide variant.
Coding change: c.-17G>C on transcript NM_021968.4 (MANE Select); 17 bases upstream of the start codon, G replaced by C.
Molecular consequence: 5 prime UTR variant.
Genome position (GRCh38, 1-based): chr6:27,824,108, G>C. VCF-style: chr6-27824108-G-C. GRCh37 (hg19) VCF-style: chr6-27791886-G-C.
Identifiers: ClinVar variation 3907438 (VCV003907438.1).